The following is an entry in ClinVar:

ClinVar aggregate classification (germline): Uncertain significance (1 of 4 stars; one submission).

Conditions:
Hereditary sensory and autonomic neuropathy type 6. Also called: Neuropathy, hereditary sensory and autonomic, type VI; HSAN VI. Identifiers: Orphanet 314381, MedGen C3539003, MONDO:0013839, OMIM 614653.
Epidermolysis bullosa simplex 3, localized or generalized intermediate, with BP230 deficiency (EBS3). Also called: Epidermolysis bullosa simplex, autosomal recessive 2; Epidermolysis bullosa simplex due to BP230 deficiency. Identifiers: Orphanet 412181, MedGen C3809470, MONDO:0014180, OMIM 615425.

Allele frequency attached by ClinVar (database versions not stated): gnomAD exomes below 0.00001.
gnomAD v4.1: 1 of 1,613,522 alleles (0.000062%); highest among the groups gnomAD compares: Non-Finnish European, 0.000085%; no homozygotes.

Submission:

Labcorp Genetics (formerly Invitae), Labcorp
Classification: Uncertain significance for Epidermolysis bullosa simplex 3, localized or generalized intermediate, with BP230 deficiency; Hereditary sensory and autonomic neuropathy type 6. Last evaluated: 2019-08-08. Review status: criteria provided, single submitter. Criteria: Invitae Variant Classification Sherloc (09022015). Collection method: clinical testing. Allele origin: germline.
Comment: This variant is not present in population databases (ExAC no frequency). In summary, the available evidence is currently insufficient to determine the role of this variant in disease. Therefore, it has been classified as a Variant of Uncertain Significance. Nucleotide substitutions within the consensus splice site are a relatively common cause of aberrant splicing (PMID: 17576681, 9536098). Algorithms developed to predict the effect of sequence changes on RNA splicing suggest that this variant may create or strengthen a splice site, but this prediction has not been confirmed by published transcriptional studies. This variant has not been reported in the literature in individuals with DST-related conditions. This sequence change falls in intron 72 of the DST gene. It does not directly change the encoded amino acid sequence of the DST protein, but it affects a nucleotide within the consensus splice site of the intron. The DST gene has multiple clinically relevant transcripts. The c.13806+4A>G variant occurs in alternate transcript NM_015548.4, which corresponds to c.*138176A>G in NM_001723.5, the primary transcript listed in the Methods.

Literature cited by the submitters: PubMed 17576681; PubMed 9536098.

NM_001374736.1(DST):c.21675+4A>G

Gene: DST (dystonin; minus strand). Cytogenetic location: 6p12.1.
Variant type: single nucleotide variant.
Coding change: c.21675+4A>G on transcript NM_001374736.1 (MANE Select); 4 bases into the intron after coding-DNA position 21675, A replaced by G.
Molecular consequence: intron variant.
Genome position (GRCh38, 1-based): chr6:56,477,341, T>C on the plus strand (A>G on the coding strand, the complement: DST is on the minus strand). VCF-style: chr6-56477341-T-C. GRCh37 (hg19) VCF-style: chr6-56342139-T-C.
Other names: c.15318+4A>G (NM_001144769.5); c.21675+4A>G (NM_001374722.1); c.21702+4A>G (NM_001374734.1); c.14904+4A>G (NM_001144770.2); c.14457+4A>G (NM_001374730.1); c.14784+4A>G (NM_183380.4); c.20715+4A>G (NM_001374729.1); c.13806+4A>G (NM_015548.5).
Identifiers: ClinVar variation 968548 (VCV000968548.8), dbSNP rs2095243185, ClinGen allele CA1139659628.